The following is an entry in ClinVar:

ClinVar aggregate classification (germline): Uncertain significance. Review status: criteria provided, single submitter (1 of 4 stars). 2 submissions from 2 submitters: Uncertain significance (1). 1 of the submissions does not count toward it. Last evaluated 2021-09-29.

Conditions:
Cardiovascular phenotype. Identifiers: MedGen CN230736.
Dilated cardiomyopathy 1I (CMD1I). Identifiers: Orphanet 154, MedGen C1858154, MONDO:0011482, OMIM 604765.

Allele frequency attached by ClinVar (database versions not stated): TOPMed below 0.00001; gnomAD 0.00001.

Submissions (2):

Ambry Genetics
Classification: Uncertain significance for Cardiovascular phenotype. Last evaluated: 2021-09-29. Review status: criteria provided, single submitter. Criteria: Ambry Variant Classification Scheme 2023. Collection method: clinical testing. Allele origin: germline.
Comment: The p.S28F variant (also known as c.83C>T), located in coding exon 1 of the DES gene, results from a C to T substitution at nucleotide position 83. The serine at codon 28 is replaced by phenylalanine, an amino acid with highly dissimilar properties. This variant has been detected in an individual from a dilated cardiomyopathy cohort; however, details were limited (Nguyen TV et al. Circ J, 2021 Aug;85:1469-1478). This amino acid position is well conserved in available vertebrate species. In addition, the in silico prediction for this alteration is inconclusive. Since supporting evidence is limited at this time, the clinical significance of this alteration remains unclear.

KTest Genetics, KTest
Classification: Likely pathogenic for Dilated cardiomyopathy 1I. Review status: no assertion criteria provided. Criteria: ACMG Guidelines, 2015. Collection method: clinical testing. Allele origin: germline. Affected: yes. Not counted in ClinVar's aggregate classification.

Literature cited by the submitters: PubMed 34011823 (cited by Ambry Genetics).

NM_001927.4(DES):c.83C>T (p.Ser28Phe)

Gene: DES (desmin; plus strand). Cytogenetic location: 2q35.
Variant type: single nucleotide variant.
Coding change: c.83C>T on transcript NM_001927.4 (MANE Select); coding-DNA position 83, C replaced by T.
Protein change: p.Ser28Phe; replaces serine 28 with phenylalanine.
Molecular consequence: missense variant.
Genome position (GRCh38, 1-based): chr2:219,418,545, C>T. VCF-style: chr2-219418545-C-T. GRCh37 (hg19) VCF-style: chr2-220283267-C-T.
Other names: c.83C>T, p.Ser28Phe (NM_001382708.1, NM_001382709.1, NM_001382710.1 and 3 more transcripts); short protein forms S28F.
Identifiers: ClinVar variation 1012337 (VCV001012337.4), dbSNP rs1954361986, ClinGen allele CA350682745.